The following is an entry in ClinVar:

ClinVar aggregate classification (germline): Uncertain significance (1 of 4 stars; one submission).

Submission:

GeneDx
Classification: Uncertain significance. Last evaluated: 2016-10-21. Review status: criteria provided, single submitter. Criteria: GeneDx Variant Classification (06012015). Collection method: clinical testing. Allele origin: germline. Affected: yes.
Comment: The C163Y variant in the DDX53 gene has not been reported previously as a pathogenic variant, nor as a benign variant, to our knowledge. The C163Y variant was not observed in approximately 6,500 individuals of European and African American ancestry in the NHLBI Exome Sequencing Project, indicating it is not a common benign variant in these populations. The C163Y variant is a non-conservative amino acid substitution, which is likely to impact secondary protein structure as these residues differ in polarity, charge, size and/or other properties. This substitution occurs at a position that is not conserved. In silico analysis predicts this variant likely does not alter the protein structure/function. We interpret C163Y as a variant of uncertain significance.

NM_182699.4(DDX53):c.488G>A (p.Cys163Tyr)

Genes: PTCHD1-AS (PTCHD1 antisense RNA (head to head); minus strand), DDX53 (DEAD-box helicase 53; plus strand). Cytogenetic location: Xp22.11.
Variant type: single nucleotide variant.
Coding change: c.488G>A on transcript NM_182699.4 (MANE Select); coding-DNA position 488, G replaced by A.
Protein change: p.Cys163Tyr; replaces cysteine 163 with tyrosine.
Molecular consequence: missense variant.
Genome position (GRCh38, 1-based): chrX:23,000,545, G>A. VCF-style: chrX-23000545-G-A. GRCh37 (hg19) VCF-style: chrX-23018662-G-A.
Other names: short protein forms C163Y.
Identifiers: ClinVar variation 422437 (VCV000422437.2), dbSNP rs1064795781, ClinGen allele CA16621345.